The following is an entry in ClinVar:

NM_004629.2(FANCG):c.1295C>T (p.Ser432Phe)

Gene: FANCG (FA complementation group G; minus strand). Cytogenetic location: 9p13.3.
Variant type: single nucleotide variant.
Coding change: c.1295C>T on transcript NM_004629.2 (MANE Select); coding-DNA position 1295, C replaced by T.
Protein change: p.Ser432Phe; replaces serine 432 with phenylalanine.
Molecular consequence: missense variant.
Genome position (GRCh38, 1-based): chr9:35,075,603, G>A on the plus strand (C>T on the coding strand, the complement: FANCG is on the minus strand). VCF-style: chr9-35075603-G-A. GRCh37 (hg19) VCF-style: chr9-35075600-G-A.
Other names: short protein forms S432F.
Identifiers: ClinVar variation 4022538 (VCV004022538.1).

ClinVar aggregate classification (germline): Uncertain significance (1 of 4 stars; one submission).

Conditions:
Inborn genetic diseases. Identifiers: MedGen C0950123, MeSH D030342.

gnomAD v4.1: 1 of 1,614,124 alleles (0.000062%); highest among the groups gnomAD compares: East Asian, 0.0022%; no homozygotes.

Submission:

Ambry Genetics
Classification: Uncertain significance for Inborn genetic diseases. Last evaluated: 2025-05-25. Review status: criteria provided, single submitter. Criteria: Ambry Variant Classification Scheme 2023. Collection method: clinical testing. Allele origin: germline.
Comment: The p.S432F variant (also known as c.1295C>T), located in coding exon 10 of the FANCG gene, results from a C to T substitution at nucleotide position 1295. The serine at codon 432 is replaced by phenylalanine, an amino acid with highly dissimilar properties. This amino acid position is conserved. In addition, this alteration is predicted to be tolerated by in silico analysis. Based on the available evidence, the clinical significance of this variant remains unclear.